The following is an entry in ClinVar:

ClinVar aggregate classification (germline): Uncertain significance (1 of 4 stars; one submission).

Conditions:
CDKL5-related disorder.

Submission:

PreventionGenetics, part of Exact Sciences
Classification: Uncertain significance for CDKL5-related condition. Last evaluated: 2023-01-30. Review status: criteria provided, single submitter. Criteria: ACMG Guidelines, 2015. Collection method: clinical testing. Allele origin: germline.
Comment: The CDKL5 c.1109A>G variant is predicted to result in the amino acid substitution p.Asn370Ser. To our knowledge, this variant has not been reported in the literature or in a large population database, indicating this variant is rare. At this time, the clinical significance of this variant is uncertain due to the absence of conclusive functional and genetic evidence.

NM_001323289.2(CDKL5):c.1109A>G (p.Asn370Ser)

Gene: CDKL5 (cyclin dependent kinase like 5; plus strand). Cytogenetic location: Xp22.13.
Variant type: single nucleotide variant.
Coding change: c.1109A>G on transcript NM_001323289.2 (MANE Select); coding-DNA position 1109, A replaced by G.
Protein change: p.Asn370Ser; replaces asparagine 370 with serine.
Molecular consequence: missense variant.
Genome position (GRCh38, 1-based): chrX:18,604,033, A>G. VCF-style: chrX-18604033-A-G. GRCh37 (hg19) VCF-style: chrX-18622153-A-G.
Other names: c.1109A>G, p.Asn370Ser (NM_001037343.2, NM_003159.3); short protein forms N370S.
Identifiers: ClinVar variation 2630283 (VCV002630283.1), dbSNP rs1179123253, ClinGen allele CA412359514.
Genomic context (GRCh38, chrX:18,604,033, plus strand): 5'-GTGTAGGCCTGCCCCGGGCTGACGAAGGTCTCCCTGCCAATGAAAGCTTCCTAAATGGAA[A>G]CCTTGCTGGAGCTAGTCTTAGTCCACTGCACACCAAAACCTACCAAGCAAGCAGCCAGCC-3'
Protein context (NP_001310218.1, residues 360-380): LPANESFLNG[Asn370Ser]LAGASLSPLH